The following is an entry in ClinVar:

NM_015662.3(IFT172):c.3181A>G (p.Thr1061Ala)

Gene: IFT172 (intraflagellar transport 172; minus strand). Cytogenetic location: 2p23.3.
Variant type: single nucleotide variant.
Coding change: c.3181A>G on transcript NM_015662.3 (MANE Select); coding-DNA position 3181, A replaced by G.
Protein change: p.Thr1061Ala; replaces threonine 1061 with alanine.
Molecular consequence: missense variant.
Genome position (GRCh38, 1-based): chr2:27,457,686, T>C on the plus strand (A>G on the coding strand, the complement: IFT172 is on the minus strand). VCF-style: chr2-27457686-T-C. GRCh37 (hg19) VCF-style: chr2-27680553-T-C.
Other names: c.3181A>G (NM_015662.1); short protein forms T1061A.
Identifiers: ClinVar variation 1522152 (VCV001522152.10), dbSNP rs550525758, ClinGen allele CA44493524.

ClinVar aggregate classification (germline): Uncertain significance. Review status: criteria provided, multiple submitters, no conflicts (2 of 4 stars). 3 submissions from 3 submitters: Uncertain significance (3). Last evaluated 2024-09-10.

Conditions:
Inborn genetic diseases. Identifiers: MedGen C0950123, MeSH D030342.
Retinitis pigmentosa 71 (RP71). Identifiers: Orphanet 791, MedGen C4225342, MONDO:0014618, OMIM 616394.
Bardet-Biedl syndrome 20. Identifiers: MedGen C4310707, MONDO:0023670, OMIM 619471, MONDO:0014926.
Short-rib thoracic dysplasia 10 with or without polydactyly (SRTD10). Identifiers: Orphanet 474, MedGen C3810175, MONDO:0014284, OMIM 615630.

Allele frequency attached by ClinVar (database versions not stated): gnomAD exomes below 0.00001; TOPMed below 0.00001.
gnomAD v4.1: 9 of 1,614,238 alleles (0.00056%); highest among the groups gnomAD compares: African/African-American, 0.004%; no homozygotes.

Submissions (3):

Ambry Genetics
Classification: Uncertain significance for Inborn genetic diseases. Last evaluated: 2024-09-10. Review status: criteria provided, single submitter. Criteria: Ambry Variant Classification Scheme 2023. Collection method: clinical testing. Allele origin: germline.

Fulgent Genetics
Classification: Uncertain significance for Short-rib thoracic dysplasia 10 with or without polydactyly; Retinitis pigmentosa 71; Bardet-Biedl syndrome 20. Last evaluated: 2024-06-01. Review status: criteria provided, single submitter. Criteria: ACMG Guidelines, 2015. Collection method: clinical testing. Allele origin: germline.

Labcorp Genetics (formerly Invitae), Labcorp
Classification: Uncertain significance for Retinitis pigmentosa 71; Short-rib thoracic dysplasia 10 with or without polydactyly. Last evaluated: 2021-07-17. Review status: criteria provided, single submitter. Criteria: Invitae Variant Classification Sherloc (09022015). Collection method: clinical testing. Allele origin: germline.
Comment: In summary, the available evidence is currently insufficient to determine the role of this variant in disease. Therefore, it has been classified as a Variant of Uncertain Significance. Algorithms developed to predict the effect of missense changes on protein structure and function (SIFT, PolyPhen-2, Align-GVGD) all suggest that this variant is likely to be tolerated. This variant has not been reported in the literature in individuals affected with IFT172-related conditions. This variant is not present in population databases (ExAC no frequency). This sequence change replaces threonine with alanine at codon 1061 of the IFT172 protein (p.Thr1061Ala). The threonine residue is moderately conserved and there is a small physicochemical difference between threonine and alanine.